The following is an entry in ClinVar:

ClinVar aggregate classification (germline): Likely pathogenic, low penetrance (0 of 4 stars; one submission).

Conditions:
Primary ciliary dyskinesia 13. Also called: CILIARY DYSKINESIA, PRIMARY, 13, WITH OR WITHOUT SITUS INVERSUS. Identifiers: Orphanet 244, MedGen C2750790, MONDO:0013174, OMIM 613193.

gnomAD v4.1: 2 of 1,614,166 alleles (0.00012%); highest among the groups gnomAD compares: Non-Finnish European, 0.00017%; no homozygotes.

Submission:

Department of Chemistry and Molecular Biology, Faculty of Science, Gothenburg University
Classification: Likely pathogenic, low penetrance for Primary ciliary dyskinesia 13. Last evaluated: 2026-02-01. Review status: no assertion criteria provided. Collection method: research. Allele origin: germline. Affected: yes.
Comment: The NM_178452.6, p.Leu175Pro is a missense variant in DNAAF1 which is predicted to disrupt protein structure and dynein arm assembly, contributing to impaired ciliary function . Based on ACMG criteria, this variant is currently classified as of uncertain clinical significance (PM5, PP3_Moderate, PM2_Supporting). In summary, these data support the classification of both variants as likely pathogenic for primary ciliary dyskinesia based on ACMG/AMP criteria: PVS1_VeryStrong, PM3_Strong, PM2_Supporting, PP3, PP4.

NM_178452.6(DNAAF1):c.524T>C (p.Leu175Pro)

Gene: DNAAF1 (dynein axonemal assembly factor 1; plus strand). Cytogenetic location: 16q24.1.
Variant type: single nucleotide variant.
Coding change: c.524T>C on transcript NM_178452.6 (MANE Select); coding-DNA position 524, T replaced by C.
Protein change: p.Leu175Pro; replaces leucine 175 with proline.
Molecular consequence: missense variant.
Genome position (GRCh38, 1-based): chr16:84,154,748, T>C. VCF-style: chr16-84154748-T-C. GRCh37 (hg19) VCF-style: chr16-84188353-T-C.
Other names: short protein forms L175P.
Identifiers: ClinVar variation 4796732 (VCV004796732.1).